The following is an entry in ClinVar:

ClinVar aggregate classification (germline): Likely benign (1 of 4 stars; one submission).

Submission:

CeGaT Center for Human Genetics Tuebingen
Classification: Likely benign. Last evaluated: 2026-08-01. Review status: criteria provided, single submitter. Criteria: CeGaT Center For Human Genetics Tuebingen Variant Classification Criteria Version 2. Collection method: clinical testing. Allele origin: germline. Affected: yes. Observed: 6 variant alleles.
Comment: BTBD17: PM2:Supporting, BP4, BP7

NM_001080466.2(BTBD17):c.1116T>C (p.Val372=)

Gene: BTBD17 (BTB domain containing 17; minus strand). Cytogenetic location: 17q25.1.
Variant type: single nucleotide variant.
Coding change: c.1116T>C on transcript NM_001080466.2 (MANE Select); coding-DNA position 1116, T replaced by C.
Protein change: p.Val372=; no amino-acid change (valine 372 retained).
Molecular consequence: synonymous variant.
Genome position (GRCh38, 1-based): chr17:74,356,978, A>G on the plus strand (T>C on the coding strand, the complement: BTBD17 is on the minus strand). VCF-style: chr17-74356978-A-G. GRCh37 (hg19) VCF-style: chr17-72353117-A-G.
Identifiers: ClinVar variation 2648206 (VCV002648206.24), dbSNP rs2509857703, ClinGen allele CA502029988.
Genomic context (GRCh38, chr17:74,356,978, plus strand): 5'-CCGCGGTCGGCCGTCCTCCGGGCGCGCGGCGGGCAGAGCAGTGCCCGCGGCGTCCGCGTA[A>G]ACGGGCCGCAGGCTGACGGGCAGCCAGCGCGGCGAGAAGAGCACGTTCCAGGTGACCCGG-3'
Protein context (NP_001073935.1, residues 362-382): PRWLPVSLRP[Val372=]YADAAGTALP